The following is an entry in ClinVar:

ClinVar aggregate classification (germline): Conflicting classifications of pathogenicity. Review status: criteria provided, conflicting classifications (1 of 4 stars). 2 submissions from 2 submitters: Pathogenic (1); Uncertain significance (1). Last evaluated 2025-10-16.

gnomAD v4.1: 1 of 1,614,084 alleles (0.000062%); highest among the groups gnomAD compares: Non-Finnish European, 0.000085%; no homozygotes.

Submissions (2):

Women's Health and Genetics/Laboratory Corporation of America, LabCorp
Classification: Uncertain significance. Last evaluated: 2025-10-16. Review status: criteria provided, single submitter. Criteria: LabCorp Variant Classification Summary - May 2015. Collection method: clinical testing. Allele origin: germline.
Comment: Variant summary: ABCA4 c.6428T>G (p.Met2143Arg) results in a non-conservative amino acid change in the encoded protein sequence. Algorithms developed to predict the effect of missense changes on protein structure and function all suggest that this variant is likely to be disruptive. The variant was absent in 251484 control chromosomes. The available data on variant occurrences in the general population are insufficient to allow any conclusion about variant significance. c.6428T>G has been observed in the presumed compound heterozygous state in at least 1 individual affected with Stargardt Disease (internal data). These data do not allow any conclusion about variant significance. To our knowledge, no experimental evidence demonstrating an impact on protein function has been reported. The following publications have been ascertained in the context of this evaluation (PMID: 28002570, 29971439). ClinVar contains an entry for this variant (Variation ID: 3704352). Based on the evidence outlined above, the variant was classified as uncertain significance.

Labcorp Genetics (formerly Invitae), Labcorp
Classification: Pathogenic. Last evaluated: 2024-09-22. Review status: criteria provided, single submitter. Criteria: Invitae Variant Classification Sherloc (09022015). Collection method: clinical testing. Allele origin: germline.
Comment: This sequence change replaces methionine, which is neutral and non-polar, with arginine, which is basic and polar, at codon 2143 of the ABCA4 protein (p.Met2143Arg). This variant is not present in population databases (gnomAD no frequency). This missense change has been observed in individual(s) with Stargardt disease (PMID: 29971439; internal data). Invitae Evidence Modeling of protein sequence and biophysical properties (such as structural, functional, and spatial information, amino acid conservation, physicochemical variation, residue mobility, and thermodynamic stability) indicates that this missense variant is expected to disrupt ABCA4 protein function with a positive predictive value of 95%. This variant disrupts the p.Met2143 amino acid residue in ABCA4. Other variant(s) that disrupt this residue have been observed in individuals with ABCA4-related conditions (PMID: 33546218; internal data), which suggests that this may be a clinically significant amino acid residue. For these reasons, this variant has been classified as Pathogenic.

Literature cited by the submitters: PubMed 28002570 (cited by Women's Health and Genetics/Laboratory Corporation of America, LabCorp); PubMed 29971439 (cited by Women's Health and Genetics/Laboratory Corporation of America, LabCorp and Labcorp Genetics (formerly Invitae), Labcorp); PubMed 33546218 (cited by Labcorp Genetics (formerly Invitae), Labcorp).

NM_000350.3(ABCA4):c.6428T>G (p.Met2143Arg)

Gene: ABCA4 (ATP binding cassette subfamily A member 4; minus strand). Cytogenetic location: 1p22.1.
Variant type: single nucleotide variant.
Coding change: c.6428T>G on transcript NM_000350.3 (MANE Select); coding-DNA position 6428, T replaced by G.
Protein change: p.Met2143Arg; replaces methionine 2143 with arginine.
Molecular consequence: missense variant.
Genome position (GRCh38, 1-based): chr1:94,000,887, A>C on the plus strand (T>G on the coding strand, the complement: ABCA4 is on the minus strand). VCF-style: chr1-94000887-A-C. GRCh37 (hg19) VCF-style: chr1-94466443-A-C.
Other names: c.6206T>G, p.Met2069Arg (NM_001425324.1); short protein forms M2069R, M2143R.
Identifiers: ClinVar variation 3704352 (VCV003704352.5).